The following is an entry in ClinVar:

ClinVar aggregate classification (germline): Benign/Likely benign. Review status: criteria provided, multiple submitters, no conflicts (2 of 4 stars). 7 submissions from 7 submitters: Benign (3); Likely benign (4). Last evaluated 2026-05-19.

Conditions:
Neurofibromatosis, type 1 (NF1). Also called: NEUROFIBROMATOSIS, TYPE I, SOMATIC; Neurofibromatosis, type I; VON RECKLINGHAUSEN DISEASE; Peripheral type neurofibromatosis. Identifiers: Orphanet 636, MedGen C0027831, MONDO:0018975, OMIM 162200. Disease mechanism: loss of function.
Hereditary cancer-predisposing syndrome. Also called: Hereditary neoplastic syndrome; Neoplastic Syndromes, Hereditary; Hereditary Cancer Syndrome; Tumor predisposition. Identifiers: Orphanet 140162, MedGen C0027672, MeSH D009386, MONDO:0015356.

Allele frequency attached by ClinVar (database versions not stated): ESP Exome Variant Server 0.00015; gnomAD 0.00016 and 0.00018; gnomAD exomes 0.00006; ExAC 0.00006; TOPMed 0.00014.
gnomAD v4.1: 53 of 1,614,088 alleles (0.0033%); highest among the groups gnomAD compares: African/African-American, 0.04%; no homozygotes.

Submissions (7):

Myriad Genetics, Inc.
Classification: Benign for Neurofibromatosis, type 1. Last evaluated: 2026-05-19. Review status: criteria provided, single submitter. Criteria: Myriad Autosomal Dominant, Autosomal Recessive and X-Linked Classification Criteria (2023). Collection method: clinical testing. Allele origin: unknown.
Comment: This variant is considered benign. This variant is a silent/synonymous amino acid change and it is not expected to impact splicing.

Labcorp Genetics (formerly Invitae), Labcorp
Classification: Likely benign for Neurofibromatosis, type 1. Last evaluated: 2026-02-03. Review status: criteria provided, single submitter. Criteria: Invitae Variant Classification Sherloc (09022015). Collection method: clinical testing. Allele origin: germline.

Institute for Biomarker Research, Medical Diagnostic Laboratories, L.L.C.
Classification: Likely benign for Hereditary cancer-predisposing syndrome. Last evaluated: 2024-09-16. Review status: criteria provided, single submitter. Criteria: ACMG Guidelines, 2015. Collection method: clinical testing. Allele origin: germline.
Comment: The synonymous variant NM_000267.3(NF1):c.3672G>A (p.Ala1224=) has been reported to ClinVar as Benign/Likely benign with a status of (2 stars) criteria provided, multiple submitters, no conflicts (Variation ID 231172 as of 2024-08-01). The p.Ala1224= variant is observed in 11/16,256 (0.0677%) alleles from individuals of gnomAD African background in gnomAD, which is greater than expected for the disorder. The p.Ala1224= variant is not predicted to disrupt an existing splice site. The p.Ala1224= variant results in a substitution of a base that is not predicted conserved by GERP++ and PhyloP. For these reasons, this variant has been classified as Likely Benign.

Genome-Nilou Lab
Classification: Benign for Neurofibromatosis, type 1. Last evaluated: 2022-03-15. Review status: criteria provided, single submitter. Criteria: ACMG Guidelines, 2015. Collection method: clinical testing. Allele origin: germline. Affected: no.

Sema4
Classification: Benign for Hereditary cancer-predisposing syndrome. Last evaluated: 2022-02-19. Review status: criteria provided, single submitter. Criteria: Sema4 Curation Guidelines. Collection method: curation. Allele origin: germline.

GeneDx
Classification: Likely benign. Last evaluated: 2021-08-25. Review status: criteria provided, single submitter. Criteria: GeneDx Variant Classification Process June 2021. Collection method: clinical testing. Allele origin: germline. Affected: yes.

Ambry Genetics
Classification: Likely benign for Hereditary cancer-predisposing syndrome. Last evaluated: 2015-04-06. Review status: criteria provided, single submitter. Criteria: Ambry Autosomal Dominant and X-Linked criteria (10/2015). Collection method: clinical testing. Allele origin: germline. Observed: 1 variant allele.

NM_001042492.3(NF1):c.3672G>A (p.Ala1224=)

Gene: NF1 (neurofibromin 1; plus strand). Cytogenetic location: 17q11.2.
Variant type: single nucleotide variant.
Coding change: c.3672G>A on transcript NM_001042492.3 (MANE Select); coding-DNA position 3672, G replaced by A.
Protein change: p.Ala1224=; no amino-acid change (alanine 1224 retained).
Molecular consequence: synonymous variant.
Genome position (GRCh38, 1-based): chr17:31,233,177, G>A. VCF-style: chr17-31233177-G-A. GRCh37 (hg19) VCF-style: chr17-29560195-G-A.
Other names: c.3672G>A, p.Ala1224= (NM_000267.4).
Identifiers: ClinVar variation 231172 (VCV000231172.19), dbSNP rs151293900, ClinGen allele CA8486202.
Genomic context (GRCh38, chr17:31,233,177, plus strand): 5'-GTTTGAGAGATTGGTGGAACTGGTCACAATGATGGGTGATCAAGGAGAACTCCCTATAGC[G>A]ATGGCTCTGGCCAATGTGGTTCCTTGTTCTCAGTGGGTAAGTGATTAGAGTAAGCGGGGA-3'
Protein context (NP_001035957.1, residues 1214-1234): MMGDQGELPI[Ala1224=]MALANVVPCS